The following is an entry in ClinVar:

ClinVar aggregate classification (germline): Uncertain significance. Review status: criteria provided, multiple submitters, no conflicts (2 of 4 stars). 5 submissions from 5 submitters: Uncertain significance (5). Last evaluated 2025-06-18.

Conditions:
Wilms tumor 1 (WT1). Also called: Wilms tumor, somatic. Identifiers: Orphanet 654, MedGen CN033288, MONDO:0008679, OMIM 194070.
11p partial monosomy syndrome (WAGR). Also called: WAGR Complex; CHROMOSOME 11p13 DELETION SYNDROME; WAGR Spectrum Disorder; WAGR syndrome. Identifiers: Orphanet 893, MedGen C0206115, MONDO:0008681, OMIM 194072.
Frasier syndrome. Identifiers: Orphanet 347, MedGen C0950122, MeSH D052159, MONDO:0007635, OMIM 136680.
Drash syndrome (DDS). Also called: NEPHROPATHY, WILMS TUMOR, AND GENITAL ANOMALIES; WILMS TUMOR AND PSEUDO- OR TRUE HERMAPHRODITISM. Identifiers: Orphanet 220, MedGen C0950121, MONDO:0008682, OMIM 194080.
WT1-related disorder. Also called: WT1-related disorders. Identifiers: MedGen CN377814.
Inborn genetic diseases. Identifiers: MedGen C0950123, MeSH D030342.
Nephrotic syndrome, type 4 (NPHS4). Also called: Familial mesangial sclerosis; Nephrotic syndrome, early onset with diffuse mesangial sclerosis. Identifiers: Orphanet 656, MedGen C3151568, MONDO:0009733, OMIM 256370.
Mesothelioma, malignant (MESOM). Also called: Malignant mesothelioma (disease). Identifiers: Orphanet 50251, MedGen C0345967, MONDO:0006292, OMIM 156240, HP:0100001.
Meacham syndrome. Also called: Meacham Winn Culler syndrome. Identifiers: Orphanet 3097, MedGen C1837026, MONDO:0012164, OMIM 608978.
Aniridia 1 (AN1). Identifiers: Orphanet 250923, MedGen C0344542, MONDO:0024507, OMIM 106210.

Allele frequency attached by ClinVar (database versions not stated): TOPMed 0.00001.
gnomAD v4.1: 2 of 1,614,066 alleles (0.00012%); highest among the groups gnomAD compares: Admixed American, 0.0033%; no homozygotes.

Submissions (5):

Ambry Genetics
Classification: Uncertain significance for Inborn genetic diseases. Last evaluated: 2025-06-18. Review status: criteria provided, single submitter. Criteria: Ambry Variant Classification Scheme 2023. Collection method: clinical testing. Allele origin: germline.
Comment: The p.V371A variant (also known as c.1112T>C), located in coding exon 7 of the WT1 gene, results from a T to C substitution at nucleotide position 1112. The valine at codon 371 is replaced by alanine, an amino acid with similar properties. This amino acid position is highly conserved in available vertebrate species. In addition, this alteration is predicted to be deleterious by in silico analysis. Based on the available evidence, the clinical significance of this variant remains unclear.

PreventionGenetics, part of Exact Sciences
Classification: Uncertain significance for WT1-related condition. Last evaluated: 2025-05-01. Review status: criteria provided, single submitter. Criteria: ACMG Guidelines, 2015. Collection method: clinical testing. Allele origin: germline.
Comment: The WT1 c.1112T>C variant is predicted to result in the amino acid substitution p.Val371Ala. To our knowledge, this variant has not been reported in the literature. This variant is reported in 0.0058% of alleles in individuals of Latino descent in gnomAD. At this time, the clinical significance of this variant is uncertain due to the absence of conclusive functional and genetic evidence.

Labcorp Genetics (formerly Invitae), Labcorp
Classification: Uncertain significance for Wilms tumor 1; Drash syndrome; 11p partial monosomy syndrome; Frasier syndrome. Last evaluated: 2023-08-04. Review status: criteria provided, single submitter. Criteria: Invitae Variant Classification Sherloc (09022015). Collection method: clinical testing. Allele origin: germline.
Comment: In summary, the available evidence is currently insufficient to determine the role of this variant in disease. Therefore, it has been classified as a Variant of Uncertain Significance. An algorithm developed to predict the effect of missense changes on protein structure and function (PolyPhen-2) suggests that this variant is likely to be disruptive. ClinVar contains an entry for this variant (Variation ID: 1038185). This variant has not been reported in the literature in individuals affected with WT1-related conditions. This variant is present in population databases (no rsID available, gnomAD 0.006%). This sequence change replaces valine, which is neutral and non-polar, with alanine, which is neutral and non-polar, at codon 371 of the WT1 protein (p.Val371Ala).

Baylor Genetics
Classification: Uncertain significance for Drash syndrome. Last evaluated: 2023-05-11. Review status: criteria provided, single submitter. Criteria: ACMG Guidelines, 2015. Collection method: clinical testing. Allele origin: unknown.

Fulgent Genetics
Classification: Uncertain significance for Aniridia 1; Frasier syndrome; Mesothelioma, malignant; Wilms tumor 1; 11p partial monosomy syndrome; Drash syndrome; Nephrotic syndrome, type 4; Meacham syndrome. Last evaluated: 2022-03-16. Review status: criteria provided, single submitter. Criteria: ACMG Guidelines, 2015. Collection method: clinical testing. Allele origin: unknown.

NM_024426.6(WT1):c.1127T>C (p.Val376Ala)

Gene: WT1 (WT1 transcription factor; minus strand). Cytogenetic location: 11p13.
Variant type: single nucleotide variant.
Coding change: c.1127T>C on transcript NM_024426.6 (MANE Select); coding-DNA position 1127, T replaced by C.
Protein change: p.Val376Ala; replaces valine 376 with alanine.
Molecular consequence: missense variant. On other transcripts: 5 prime UTR variant (1), non-coding transcript variant (1).
Genome position (GRCh38, 1-based): chr11:32,396,394, A>G on the plus strand (T>C on the coding strand, the complement: WT1 is on the minus strand). VCF-style: chr11-32396394-A-G. GRCh37 (hg19) VCF-style: chr11-32417940-A-G.
Other names: c.1076T>C, p.Val359Ala (NM_000378.6, NM_001407045.1, NM_001407048.1 and 1 more transcripts); c.476T>C, p.Val159Ala (NM_001198551.2); c.425T>C, p.Val142Ala (NM_001198552.2); c.-62T>C (NM_001367854.1); c.1121T>C, p.Val374Ala (NM_001407044.1); c.1127T>C, p.Val376Ala (NM_001407046.1, NM_024424.5); c.1004T>C, p.Val335Ala (NM_001407047.1); c.953T>C, p.Val318Ala (NM_001407050.1); and 3 more; short protein forms V359A, V142A, V376A, V159A, V318A, V371A, V335A, V354A.
Identifiers: ClinVar variation 1038185 (VCV001038185.14), dbSNP rs1180529775, ClinGen allele CA379960060.